The following is an entry in ClinVar:

ClinVar aggregate classification (germline): Uncertain significance (1 of 4 stars; one submission).

Submission:

GeneDx
Classification: Uncertain significance. Last evaluated: 2024-06-13. Review status: criteria provided, single submitter. Criteria: GeneDx Variant Classification Process June 2021. Collection method: clinical testing. Allele origin: germline. Affected: yes.
Comment: Not observed at significant frequency in large population cohorts (gnomAD); In silico analysis supports that this missense variant has a deleterious effect on protein structure/function; Has not been previously published as pathogenic or benign to our knowledge

NM_020791.4(TAOK1):c.595G>A (p.Glu199Lys)

Gene: TAOK1 (TAO kinase 1; plus strand). Cytogenetic location: 17q11.2.
Variant type: single nucleotide variant.
Coding change: c.595G>A on transcript NM_020791.4 (MANE Select); coding-DNA position 595, G replaced by A.
Protein change: p.Glu199Lys; replaces glutamic acid 199 with lysine.
Molecular consequence: missense variant.
Genome position (GRCh38, 1-based): chr17:29,482,228, G>A. VCF-style: chr17-29482228-G-A. GRCh37 (hg19) VCF-style: chr17-27809246-G-A.
Other names: c.595G>A, p.Glu199Lys (NM_025142.1); short protein forms E199K.
Identifiers: ClinVar variation 3390735 (VCV003390735.1).